The following is an entry in ClinVar:

NM_000051.4(ATM):c.6133del (p.Ala2045fs)

Genes: ATM (ATM serine/threonine kinase; plus strand), C11orf65 (chromosome 11 open reading frame 65; minus strand). Cytogenetic location: 11q22.3.
Variant type: Deletion.
Coding change: c.6133del on transcript NM_000051.4 (MANE Select); coding-DNA position 6133, one base deleted (G; older notation c.6133delG).
Protein change: p.Ala2045fs; shifts the reading frame from alanine 2045.
Molecular consequence: frameshift variant. On other transcripts: intron variant (2).
Genome position (GRCh38, 1-based): chr11:108,316,048, G deleted. VCF-style (leftmost placement, unchanged base first): chr11-108316047-AG-A. GRCh37 (hg19) VCF-style: chr11-108186774-AG-A.
Other names: c.6133del, p.Ala2045fs (NM_001351834.2); c.641-6977del (NM_001330368.2); c.*39-6977del (NM_001351110.2); short protein forms A2045fs.
Identifiers: ClinVar variation 481310 (VCV000481310.15), dbSNP rs1555113762, ClinGen allele CA658656190.

ClinVar aggregate classification (germline): Pathogenic/Likely pathogenic. Review status: criteria provided, multiple submitters, no conflicts (2 of 4 stars). 5 submissions from 5 submitters: Pathogenic (4); Likely pathogenic (1). Last evaluated 2025-03-05.

Conditions:
Hereditary cancer-predisposing syndrome. Also called: Neoplastic Syndromes, Hereditary; Hereditary Cancer Syndrome; Tumor predisposition; Hereditary neoplastic syndrome. Identifiers: Orphanet 140162, MedGen C0027672, MeSH D009386, MONDO:0015356.
Familial cancer of breast. Also called: Hereditary breast cancer; BREAST CANCER, FAMILIAL; hereditary breast carcinoma. Identifiers: Orphanet 227535, MedGen C0346153, MONDO:0016419, OMIM 114480. Disease mechanism: loss of function.
Ataxia-telangiectasia syndrome (AT). Also called: LOUIS-BAR SYNDROME; Cerebello-oculocutaneous telangiectasia; Immunodeficiency with ataxia telangiectasia; Ataxia-telangiectasia, complementation group D; AT, COMPLEMENTATION GROUP C; Ataxia-telangiectasia, complementation group E. Identifiers: Orphanet 100, MedGen C0004135, MONDO:0008840, OMIM 208900.

Allele frequency attached by ClinVar (database versions not stated): TOPMed below 0.00001.

Submissions (5):

Ambry Genetics
Classification: Pathogenic for Hereditary cancer-predisposing syndrome. Last evaluated: 2025-03-05. Review status: criteria provided, single submitter. Criteria: Ambry Variant Classification Scheme 2023. Collection method: clinical testing. Allele origin: germline.
Comment: The c.6133delG pathogenic mutation, located in coding exon 41 of the ATM gene, results from a deletion of one nucleotide at nucleotide position 6133, causing a translational frameshift with a predicted alternate stop codon (p.A2045Pfs*2). This alteration is expected to result in loss of function by premature protein truncation or nonsense-mediated mRNA decay. As such, this alteration is interpreted as a disease-causing mutation.

Labcorp Genetics (formerly Invitae), Labcorp
Classification: Pathogenic for Ataxia-telangiectasia syndrome. Last evaluated: 2024-06-05. Review status: criteria provided, single submitter. Criteria: Invitae Variant Classification Sherloc (09022015). Collection method: clinical testing. Allele origin: germline.
Comment: This sequence change creates a premature translational stop signal (p.Ala2045Profs*2) in the ATM gene. It is expected to result in an absent or disrupted protein product. Loss-of-function variants in ATM are known to be pathogenic (PMID: 23807571, 25614872). This variant is not present in population databases (gnomAD no frequency). This variant has not been reported in the literature in individuals affected with ATM-related conditions. ClinVar contains an entry for this variant (Variation ID: 481310). For these reasons, this variant has been classified as Pathogenic.

Myriad Genetics, Inc.
Classification: Pathogenic for Familial cancer of breast. Last evaluated: 2024-01-29. Review status: criteria provided, single submitter. Criteria: Myriad Autosomal Dominant, Autosomal Recessive and X-Linked Classification Criteria (2023). Collection method: clinical testing. Allele origin: unknown.
Comment: This variant is considered pathogenic. This variant creates a frameshift predicted to result in premature protein truncation.

Baylor Genetics
Classification: Likely pathogenic for Familial cancer of breast. Last evaluated: 2023-05-24. Review status: criteria provided, single submitter. Criteria: ACMG Guidelines, 2015. Collection method: clinical testing. Allele origin: unknown.

GeneDx
Classification: Pathogenic. Last evaluated: 2018-07-13. Review status: criteria provided, single submitter. Criteria: GeneDx Variant Classification (06012015). Collection method: clinical testing. Allele origin: germline. Affected: yes.
Comment: This deletion of one nucleotide in ATM is denoted c.6133delG at the cDNA level and p.Ala2045ProfsX2 (A2045PfsX2) at the protein level. The normal sequence, with the base that is deleted in brackets, is CAAA[delG]CCCT. The deletion causes a frameshift which changes an Alanine to a Proline at codon 2045, and creates a premature stop codon at position 2 of the new reading frame. Although this variant has not, to our knowledge, been reported in the literature, it is predicted to cause loss of normal protein function through either protein truncation or nonsense-mediated mRNA decay. We consider this variant to be pathogenic.

Literature cited by the submitters: PubMed 23807571 (cited by Labcorp Genetics (formerly Invitae), Labcorp); PubMed 25614872 (cited by Labcorp Genetics (formerly Invitae), Labcorp).